The following is an entry in ClinVar:

NM_015030.2(FRYL):c.8222C>T (p.Thr2741Ile)

Gene: FRYL (FRY like transcription coactivator; minus strand). Cytogenetic location: 4p11.
Variant type: single nucleotide variant.
Coding change: c.8222C>T on transcript NM_015030.2 (MANE Select); coding-DNA position 8222, C replaced by T.
Protein change: p.Thr2741Ile; replaces threonine 2741 with isoleucine.
Molecular consequence: missense variant.
Genome position (GRCh38, 1-based): chr4:48,510,908, G>A on the plus strand (C>T on the coding strand, the complement: FRYL is on the minus strand). VCF-style: chr4-48510908-G-A. GRCh37 (hg19) VCF-style: chr4-48512925-G-A.
Other names: short protein forms T2741I.
Identifiers: ClinVar variation 3342565 (VCV003342565.1).

ClinVar aggregate classification (germline): Uncertain significance (1 of 4 stars; one submission).

gnomAD v4.1: 1 of 1,612,056 alleles (0.000062%); no homozygotes.

Submission:

GeneDx
Classification: Uncertain significance. Last evaluated: 2022-07-07. Review status: criteria provided, single submitter. Criteria: GeneDx Variant Classification Process June 2021. Collection method: clinical testing. Allele origin: germline. Affected: yes.
Comment: Not observed at significant frequency in large population cohorts (gnomAD); In silico analysis supports that this missense variant has a deleterious effect on protein structure/function; Has not been previously published as pathogenic or benign to our knowledge; Variants in candidate genes are classified as variants of uncertain significance in accordance with ACMG guidelines (Richards et al., 2015)